The following is an entry in ClinVar:

ClinVar aggregate classification (germline): Uncertain significance. Review status: criteria provided, multiple submitters, no conflicts (2 of 4 stars). 2 submissions from 2 submitters: Uncertain significance (2). Last evaluated 2025-10-21.

Conditions:
Cardiovascular phenotype. Identifiers: MedGen CN230736.

Submissions (2):

Mayo Clinic Laboratories, Mayo Clinic
Classification: Uncertain significance. Last evaluated: 2025-10-21. Review status: criteria provided, single submitter. Criteria: ACMG Guidelines, 2015. Collection method: clinical testing. Allele origin: germline. Observed: 1 variant allele.
Comment: BP4_moderate

Ambry Genetics
Classification: Uncertain significance for Cardiovascular phenotype. Last evaluated: 2025-06-11. Review status: criteria provided, single submitter. Criteria: Ambry Variant Classification Scheme 2023. Collection method: clinical testing. Allele origin: germline.

NM_022436.3(ABCG5):c.213T>A (p.Asp71Glu)

Gene: ABCG5 (ATP binding cassette subfamily G member 5; minus strand). Cytogenetic location: 2p21.
Variant type: single nucleotide variant.
Coding change: c.213T>A on transcript NM_022436.3 (MANE Select); coding-DNA position 213, T replaced by A.
Protein change: p.Asp71Glu; replaces aspartic acid 71 with glutamic acid.
Molecular consequence: missense variant.
Genome position (GRCh38, 1-based): chr2:43,837,886, A>T on the plus strand (T>A on the coding strand, the complement: ABCG5 is on the minus strand). VCF-style: chr2-43837886-A-T. GRCh37 (hg19) VCF-style: chr2-44065025-A-T.
Other names: p.Asp71Glu; short protein forms D71E.
Identifiers: ClinVar variation 3992580 (VCV003992580.2).